The following is an entry in ClinVar:

NM_001273.5(CHD4):c.4165C>A (p.Arg1389Ser)

Genes: CHD4 (chromodomain helicase DNA binding protein 4; minus strand), CHD4-AS1 (CHD4 antisense RNA 1; plus strand). Cytogenetic location: 12p13.31.
Variant type: single nucleotide variant.
Coding change: c.4165C>A on transcript NM_001273.5 (MANE Select); coding-DNA position 4165, C replaced by A.
Protein change: p.Arg1389Ser; replaces arginine 1389 with serine.
Molecular consequence: missense variant.
Genome position (GRCh38, 1-based): chr12:6,582,919, G>T on the plus strand (C>A on the coding strand, the complement: CHD4 is on the minus strand). VCF-style: chr12-6582919-G-T. GRCh37 (hg19) VCF-style: chr12-6692085-G-T.
Other names: c.4144C>A, p.Arg1382Ser (NM_001297553.2); c.4126C>A, p.Arg1376Ser (NM_001363606.2); short protein forms R1376S, R1382S, R1389S.
Identifiers: ClinVar variation 2691876 (VCV002691876.2), dbSNP rs2540382709, ClinGen allele CA383575667.
Genomic context (GRCh38, chr12:6,582,919, plus strand): 5'-CACCAACACGGGCCAACAGAGGAGGCAATGGCTTATCTTTATCATTCCGCAGGCCCTTAC[G>T]ACTGGGCCTACGGGGAGCTGCAAGAAGAAAAAGATGAATGAGTGACACAGGTAGGATATT-3'
Protein context (NP_001264.2, residues 1379-1399): ERSEAPRRPS[Arg1389Ser]KGLRNDKDKP

ClinVar aggregate classification (germline): Uncertain significance (1 of 4 stars; one submission).

Conditions:
Sifrim-Hitz-Weiss syndrome (SIHIWES). Also called: SIFRIM-HITZ-WEISS MULTIPLE CONGENITAL ANOMALIES-MENTAL RETARDATION SYNDROME; CHD4 Neurodevelopmental Disorder. Identifiers: Orphanet 653712, MedGen C4310688, MONDO:0014946, OMIM 617159.

Submission:

Institute of Human Genetics, University of Leipzig Medical Center
Classification: Uncertain significance for Sifrim-Hitz-Weiss syndrome. Last evaluated: 2023-12-07. Review status: criteria provided, single submitter. Criteria: ACMG Guidelines, 2015. Collection method: clinical testing. Allele origin: unknown. Inheritance: Autosomal dominant inheritance. Affected: yes.
Comment: Criteria applied: PM2_SUP,PP2,PP3